The following is an entry in ClinVar:

NM_001379200.1(TBX1):c.495T>G (p.Tyr165Ter)

Gene: TBX1 (T-box transcription factor 1; plus strand). Cytogenetic location: 22q11.21.
Variant type: single nucleotide variant.
Coding change: c.495T>G on transcript NM_001379200.1 (MANE Select); coding-DNA position 495, T replaced by G.
Protein change: p.Tyr165Ter; replaces tyrosine 165 with a stop codon.
Molecular consequence: nonsense.
Genome position (GRCh38, 1-based): chr22:19,763,298, T>G. VCF-style: chr22-19763298-T-G. GRCh37 (hg19) VCF-style: chr22-19750821-T-G.
Other names: c.468T>G, p.Tyr156Ter (NM_005992.1, NM_080646.2, NM_080647.1); short protein forms Y156*, Y165*.
Identifiers: ClinVar variation 4291828 (VCV004291828.1).

ClinVar aggregate classification (germline): Uncertain significance (1 of 4 stars; one submission).

Conditions:
DiGeorge syndrome. Also called: Catch22; THIRD AND FOURTH PHARYNGEAL POUCH SYNDROME. Identifiers: Orphanet 567, MedGen C0012236, MONDO:0008564, OMIM 188400.

Submission:

3billion
Classification: Uncertain significance for DiGeorge syndrome. Last evaluated: 2025-02-05. Review status: criteria provided, single submitter. Criteria: ACMG Guidelines, 2015. Collection method: clinical testing. Allele origin: germline. Affected: yes.
Comment: The variant is not observed in the gnomAD v4.1.0 dataset. Predicted Consequence/Location: Stop-gained (nonsense): predicted to result in a loss or disruption of normal protein function through nonsense-mediated decay (NMD) or protein truncation. Multiple pathogenic variants are reported downstream of the variant. Therefore, this variant is classified as VUS according to the recommendation of ACMG/AMP guideline.